The following is an entry in ClinVar:

NM_203447.4(DOCK8):c.53+240A>C

Genes: DOCK8 (dedicator of cytokinesis 8; plus strand), DOCK8-AS1 (DOCK8 antisense RNA 1; minus strand), LOC130001438 (ATAC-STARR-seq lymphoblastoid silent region 19723; plus strand). Cytogenetic location: 9p24.3.
Variant type: single nucleotide variant.
Coding change: c.53+240A>C on transcript NM_203447.4 (MANE Select); 240 bases into the intron after coding-DNA position 53, A replaced by C.
Molecular consequence: intron variant. On other transcripts: non-coding transcript variant (1).
Genome position (GRCh38, 1-based): chr9:215,269, A>C. VCF-style: chr9-215269-A-C. GRCh37 (hg19) VCF-style: chr9-215269-A-C.
Identifiers: ClinVar variation 676901 (VCV000676901.2), dbSNP rs636922, ClinGen allele CA4957004.
Genomic context (GRCh38, chr9:215,269, plus strand): 5'-GCTCCTGCGCTGGGCCCGGCGAGGTCCTCCCCAAGAATCTCGGTGCTCCTGGATGTCCTC[A>C]GCCGCCGGGGATCCCTTCCCCGAACAACCTCGCCCGCTCCGCCCTCCAGGTTCTTACAGG-3'

ClinVar aggregate classification (germline): Benign. Review status: criteria provided, multiple submitters, no conflicts (2 of 4 stars). 2 submissions from 2 submitters: Benign (2). Last evaluated 2018-06-14.

Allele frequency attached by ClinVar (database versions not stated): 1000 Genomes Project 30x 0.17130; 1000 Genomes Project 0.17951; ESP Exome Variant Server 0.18242; TOPMed 0.19408; gnomAD 0.20168 and 0.20370; gnomAD exomes 0.24120 and 0.26018; ExAC 0.31023.
gnomAD v4.1: 408,000 of 1,603,846 alleles (25%); highest among the groups gnomAD compares: East Asian, 32%; 54,708 homozygotes.

Submissions (2):

GeneDx
Classification: Benign. Last evaluated: 2018-06-14. Review status: criteria provided, single submitter. Criteria: GeneDx Variant Classification (06012015). Collection method: clinical testing. Allele origin: germline. Affected: yes.
Comment: This variant is considered likely benign or benign based on one or more of the following criteria: it is a conservative change, it occurs at a poorly conserved position in the protein, it is predicted to be benign by multiple in silico algorithms, and/or has population frequency not consistent with disease.

Breakthrough Genomics
Classification: Benign. Review status: criteria provided, single submitter. Criteria: ACMG Guidelines, 2015. Collection method: not provided. Allele origin: germline. Inheritance: Autosomal recessive inheritance. Affected: yes.